The following is an entry in ClinVar:

NM_000362.5(TIMP3):c.543C>G (p.His181Gln)

Genes: SYN3 (synapsin III; minus strand), TIMP3 (TIMP metallopeptidase inhibitor 3; plus strand). Cytogenetic location: 22q12.3.
Variant type: single nucleotide variant.
Coding change: c.543C>G on transcript NM_000362.5 (MANE Select); coding-DNA position 543, C replaced by G.
Protein change: p.His181Gln; replaces histidine 181 with glutamine.
Molecular consequence: missense variant. On other transcripts: intron variant (7).
Genome position (GRCh38, 1-based): chr22:32,859,284, C>G. VCF-style: chr22-32859284-C-G. GRCh37 (hg19) VCF-style: chr22-33255271-C-G.
Other names: c.708+5631G>C (NM_001369909.1, NM_001135774.2, NM_001369910.1); c.711+5631G>C (NM_001369907.1, NM_003490.4, NM_001369908.1 and 1 more transcripts); short protein forms H181Q.
Identifiers: ClinVar variation 1051512 (VCV001051512.8), dbSNP rs1223343414, ClinGen allele CA411540360.

ClinVar aggregate classification (germline): Uncertain significance. Review status: criteria provided, multiple submitters, no conflicts (2 of 4 stars). 2 submissions from 2 submitters: Uncertain significance (2). Last evaluated 2025-10-13.

Allele frequency attached by ClinVar (database versions not stated): gnomAD exomes below 0.00001; TOPMed below 0.00001.
gnomAD v4.1: 3 of 1,614,222 alleles (0.00019%); highest among the groups gnomAD compares: African/African-American, 0.0027%; no homozygotes.

Submissions (2):

Labcorp Genetics (formerly Invitae), Labcorp
Classification: Uncertain significance. Last evaluated: 2025-10-13. Review status: criteria provided, single submitter. Criteria: Invitae Variant Classification Sherloc (09022015). Collection method: clinical testing. Allele origin: germline.
Comment: This sequence change replaces histidine, which is basic and polar, with glutamine, which is neutral and polar, at codon 181 of the TIMP3 protein (p.His181Gln). This variant is present in population databases (no rsID available, gnomAD 0.007%). This variant has not been reported in the literature in individuals affected with TIMP3-related conditions. ClinVar contains an entry for this variant (Variation ID: 1051512). An algorithm developed to predict the effect of missense changes on protein structure and function (PolyPhen-2) suggests that this variant is likely to be disruptive. This variant disrupts the p.His181 amino acid residue in TIMP3. Other variant(s) that disrupt this residue have been determined to be pathogenic (PMID: 16989765). This suggests that this residue is clinically significant, and that variants that disrupt this residue are likely to be disease-causing. In summary, the available evidence is currently insufficient to determine the role of this variant in disease. Therefore, it has been classified as a Variant of Uncertain Significance.

Blueprint Genetics
Classification: Uncertain significance. Last evaluated: 2019-07-09. Review status: criteria provided, single submitter. Criteria: ACMG Guidelines, 2015. Collection method: clinical testing. Allele origin: germline.

Literature cited by the submitters: PubMed 16989765 (cited by Labcorp Genetics (formerly Invitae), Labcorp).